The following is an entry in ClinVar:

NM_017951.5(SMPD4):c.1098-98C>T

Gene: SMPD4 (sphingomyelin phosphodiesterase 4; minus strand). Cytogenetic location: 2q21.1.
Variant type: single nucleotide variant.
Coding change: c.1098-98C>T on transcript NM_017951.5 (MANE Select); 98 bases into the intron before coding-DNA position 1098, C replaced by T.
Molecular consequence: intron variant.
Genome position (GRCh38, 1-based): chr2:130,156,773, G>A on the plus strand (C>T on the coding strand, the complement: SMPD4 is on the minus strand). VCF-style: chr2-130156773-G-A. GRCh37 (hg19) VCF-style: chr2-130914346-G-A.
Other names: c.909-98C>T (NM_001171083.2); c.1128-98C>T (NM_017751.4).
Identifiers: ClinVar variation 3250609 (VCV003250609.18), dbSNP rs113975436.
Genomic context (GRCh38, chr2:130,156,773, plus strand): 5'-GTAAGGAGGCCCTGCTCACAGATGACCCCAGGGCTCCCATCAGTGAGGGTTGGCTCCGCC[G>A]GGGGAGAGCACTGGGCACCTCCGGGAGGTTCAGCCCCATTCTTCAGAGGAAGAAATCAAG-3'

ClinVar aggregate classification (germline): Likely benign (1 of 4 stars; one submission).

Allele frequency attached by ClinVar (database versions not stated): 1000 Genomes Project 0.00280; 1000 Genomes Project 30x 0.00344.
gnomAD v4.1: 665 of 1,553,258 alleles (0.043%); highest among the groups gnomAD compares: African/African-American, 0.81%; 8 homozygotes.

Submission:

CeGaT Center for Human Genetics Tuebingen
Classification: Likely benign. Last evaluated: 2024-06-01. Review status: criteria provided, single submitter. Criteria: CeGaT Center For Human Genetics Tuebingen Variant Classification Criteria Version 2. Collection method: clinical testing. Allele origin: germline. Affected: yes. Observed: 1 variant allele.
Comment: SMPD4: BS2